The following is an entry in ClinVar:

NM_003072.5(SMARCA4):c.754C>T (p.Pro252Ser)

Gene: SMARCA4 (SWI/SNF related BAF chromatin remodeling complex subunit ATPase 4; plus strand). Cytogenetic location: 19p13.2.
Variant type: single nucleotide variant.
Coding change: c.754C>T on transcript NM_003072.5 (MANE Select); coding-DNA position 754, C replaced by T.
Protein change: p.Pro252Ser; replaces proline 252 with serine.
Molecular consequence: missense variant. On other transcripts: non-coding transcript variant (1).
Genome position (GRCh38, 1-based): chr19:10,986,587, C>T. VCF-style: chr19-10986587-C-T. GRCh37 (hg19) VCF-style: chr19-11097263-C-T.
Other names: c.754C>T, p.Pro252Ser (NM_001128844.3, NM_001128845.2, NM_001128846.2 and 6 more transcripts); short protein forms P252S.
Identifiers: ClinVar variation 3798932 (VCV003798932.2).

ClinVar aggregate classification (germline): Uncertain significance (1 of 4 stars; one submission).

Conditions:
Hereditary cancer-predisposing syndrome. Also called: Neoplastic Syndromes, Hereditary; Hereditary Cancer Syndrome; Tumor predisposition; Hereditary neoplastic syndrome. Identifiers: Orphanet 140162, MedGen C0027672, MeSH D009386, MONDO:0015356.

gnomAD v4.1: 2 of 1,536,228 alleles (0.00013%); highest among the groups gnomAD compares: Non-Finnish European, 0.000087%; no homozygotes.

Submission:

Ambry Genetics
Classification: Uncertain significance for Hereditary cancer-predisposing syndrome. Last evaluated: 2025-08-10. Review status: criteria provided, single submitter. Criteria: Ambry Variant Classification Scheme 2023. Collection method: clinical testing. Allele origin: germline.
Comment: The p.P252S variant (also known as c.754C>T), located in coding exon 3 of the SMARCA4 gene, results from a C to T substitution at nucleotide position 754. The proline at codon 252 is replaced by serine, an amino acid with similar properties. This amino acid position is conserved. In addition, this alteration is predicted to be tolerated by in silico analysis. Based on the available evidence, the clinical significance of this variant remains unclear.